The following is an entry in ClinVar:

ClinVar aggregate classification (germline): Likely pathogenic (1 of 4 stars; one submission).

Submission:

GeneDx
Classification: Likely pathogenic. Last evaluated: 2017-01-11. Review status: criteria provided, single submitter. Criteria: GeneDx Variant Classification (06012015). Collection method: clinical testing. Allele origin: germline. Affected: yes.
Comment: The Y226S variant in the UBR1 gene has not been reported previously as a pathogenic variant, nor as a benign variant, to our knowledge. This variant was not observed in approximately 6500 individuals of European and African American ancestry in the NHLBI Exome Sequencing Project, indicating it is not a common benign variant in these populations. The Y226S variant is a semi-conservative amino acid substitution, which may impact secondary protein structure as these residues differ in some properties. This substitution occurs at a position that is conserved across species, and in silico analysis predicts this variant is probably damaging to the protein structure/function. We interpret Y226S as a strong candidate for a pathogenic variant; however, the possibility it may be a rare benign variant cannot be completely excluded.

NM_174916.3(UBR1):c.677A>C (p.Tyr226Ser)

Gene: UBR1 (ubiquitin protein ligase E3 component n-recognin 1; minus strand). Cytogenetic location: 15q15.2.
Variant type: single nucleotide variant.
Coding change: c.677A>C on transcript NM_174916.3 (MANE Select); coding-DNA position 677, A replaced by C.
Protein change: p.Tyr226Ser; replaces tyrosine 226 with serine.
Molecular consequence: missense variant.
Genome position (GRCh38, 1-based): chr15:43,068,019, T>G on the plus strand (A>C on the coding strand, the complement: UBR1 is on the minus strand). VCF-style: chr15-43068019-T-G. GRCh37 (hg19) VCF-style: chr15-43360217-T-G.
Other names: short protein forms Y226S.
Identifiers: ClinVar variation 390603 (VCV000390603.2), dbSNP rs1057523835, ClinGen allele CA16607782.